The following is an entry in ClinVar:

ClinVar aggregate classification (germline): Uncertain significance (1 of 4 stars; one submission).

Conditions:
Hereditary sensory neuropathy-deafness-dementia syndrome. Also called: NEUROPATHY, HEREDITARY SENSORY, WITH HEARING LOSS AND DEMENTIA; Hereditary Sensory and Autonomic Neuropathy Type 1E (HSAN1E); HSN IE; Hereditary sensory neuropathy type IE. Identifiers: Orphanet 456318, MedGen C3279885, MONDO:0013584, OMIM 614116.

Submission:

Labcorp Genetics (formerly Invitae), Labcorp
Classification: Uncertain significance for Hereditary sensory neuropathy-deafness-dementia syndrome. Last evaluated: 2022-08-19. Review status: criteria provided, single submitter. Criteria: Invitae Variant Classification Sherloc (09022015). Collection method: clinical testing. Allele origin: germline.
Comment: This sequence change replaces threonine, which is neutral and polar, with isoleucine, which is neutral and non-polar, at codon 943 of the DNMT1 protein (p.Thr943Ile). This variant is not present in population databases (gnomAD no frequency). In summary, the available evidence is currently insufficient to determine the role of this variant in disease. Therefore, it has been classified as a Variant of Uncertain Significance. Algorithms developed to predict the effect of missense changes on protein structure and function (SIFT, PolyPhen-2, Align-GVGD) all suggest that this variant is likely to be tolerated. This variant has not been reported in the literature in individuals affected with DNMT1-related conditions.

NM_001130823.3(DNMT1):c.2828C>T (p.Thr943Ile)

Gene: DNMT1 (DNA methyltransferase 1; minus strand). Cytogenetic location: 19p13.2.
Variant type: single nucleotide variant.
Coding change: c.2828C>T on transcript NM_001130823.3 (MANE Select); coding-DNA position 2828, C replaced by T.
Protein change: p.Thr943Ile; replaces threonine 943 with isoleucine.
Molecular consequence: missense variant.
Genome position (GRCh38, 1-based): chr19:10,146,417, G>A on the plus strand (C>T on the coding strand, the complement: DNMT1 is on the minus strand). VCF-style: chr19-10146417-G-A. GRCh37 (hg19) VCF-style: chr19-10257093-G-A.
Other names: c.2780C>T, p.Thr927Ile (NM_001318730.2, NM_001379.4); c.2465C>T, p.Thr822Ile (NM_001318731.2); short protein forms T822I, T927I, T943I.
Identifiers: ClinVar variation 1716930 (VCV001716930.5), dbSNP rs2513798762, ClinGen allele CA403976222.
Genomic context (GRCh38, chr19:10,146,417, plus strand): 5'-GTGAAGGCCTCAGGGGGCAGGTACACACCATCACCAACTCGGTACAGGATGCCGTTCTTG[G>A]TGGCTGAGTAGTAGAGGACCCGGCTATCCAGGTCCTCGAGCTGCTCCAGGACCCTGGGGA-3'
Protein context (NP_001124295.1, residues 933-953): LDSRVLYYSA[Thr943Ile]KNGILYRVGD